The following is an entry in ClinVar:

NM_138694.4(PKHD1):c.2120T>C (p.Ile707Thr)

Gene: PKHD1 (PKHD1 ciliary IPT domain containing fibrocystin/polyductin; minus strand). Cytogenetic location: 6p12.2.
Variant type: single nucleotide variant.
Coding change: c.2120T>C on transcript NM_138694.4 (MANE Select); coding-DNA position 2120, T replaced by C.
Protein change: p.Ile707Thr; replaces isoleucine 707 with threonine.
Molecular consequence: missense variant.
Genome position (GRCh38, 1-based): chr6:52,053,096, A>G on the plus strand (T>C on the coding strand, the complement: PKHD1 is on the minus strand). VCF-style: chr6-52053096-A-G. GRCh37 (hg19) VCF-style: chr6-51917894-A-G.
Other names: c.2120T>C, p.Ile707Thr (NM_170724.3); short protein forms I707T.
Identifiers: ClinVar variation 2103591 (VCV002103591.4), dbSNP rs2128203303, ClinGen allele CA364444010.

ClinVar aggregate classification (germline): Pathogenic (1 of 4 stars; one submission).

Conditions:
Autosomal recessive polycystic kidney disease (ARPKD). Also called: AR polycystic kidney disease. Identifiers: Orphanet 731, Orphanet 8378, MedGen C0085548, MeSH D017044, MONDO:0009889.

gnomAD v4.1: 1 of 1,614,162 alleles (0.000062%); highest among the groups gnomAD compares: Non-Finnish European, 0.000085%; no homozygotes.

Submission:

Labcorp Genetics (formerly Invitae), Labcorp
Classification: Pathogenic for Autosomal recessive polycystic kidney disease. Last evaluated: 2022-09-12. Review status: criteria provided, single submitter. Criteria: Invitae Variant Classification Sherloc (09022015). Collection method: clinical testing. Allele origin: germline.
Comment: This sequence change replaces isoleucine, which is neutral and non-polar, with threonine, which is neutral and polar, at codon 707 of the PKHD1 protein (p.Ile707Thr). This variant is not present in population databases (gnomAD no frequency). This missense change has been observed in individual(s) with clinical features of polycystic kidney disease (Invitae). In at least one individual the data is consistent with being in trans (on the opposite chromosome) from a pathogenic variant. Advanced modeling of protein sequence and biophysical properties (such as structural, functional, and spatial information, amino acid conservation, physicochemical variation, residue mobility, and thermodynamic stability) performed at Invitae indicates that this missense variant is expected to disrupt PKHD1 protein function. For these reasons, this variant has been classified as Pathogenic.